The following is an entry in ClinVar:

ClinVar aggregate classification (germline): Conflicting classifications of pathogenicity. Review status: criteria provided, conflicting classifications (1 of 4 stars). 3 submissions from 3 submitters: Uncertain significance (2); Likely benign (1). Last evaluated 2026-01-05.

Conditions:
Hereditary cancer-predisposing syndrome. Also called: Tumor predisposition; Neoplastic Syndromes, Hereditary; Hereditary Cancer Syndrome; Hereditary neoplastic syndrome. Identifiers: Orphanet 140162, MedGen C0027672, MeSH D009386, MONDO:0015356.
Ataxia-telangiectasia syndrome (AT). Also called: ATAXIA-TELANGIECTASIA, COMPLEMENTATION GROUP A; ATAXIA-TELANGIECTASIA, FRESNO VARIANT; Ataxia-telangiectasia; Ataxia-telangiectasia, complementation group D; AT, COMPLEMENTATION GROUP C; Ataxia-telangiectasia, complementation group E. Identifiers: Orphanet 100, MedGen C0004135, MONDO:0008840, OMIM 208900.

Allele frequency attached by ClinVar (database versions not stated): ExAC 0.00002; gnomAD exomes 0.00001.
gnomAD v4.1: 3 of 1,613,676 alleles (0.00019%); highest among the groups gnomAD compares: Non-Finnish European, 0.00025%; no homozygotes.

Submissions (3):

Labcorp Genetics (formerly Invitae), Labcorp
Classification: Uncertain significance for Ataxia-telangiectasia syndrome. Last evaluated: 2026-01-05. Review status: criteria provided, single submitter. Criteria: Invitae Variant Classification Sherloc (09022015). Collection method: clinical testing. Allele origin: germline.
Comment: This sequence change replaces lysine, which is basic and polar, with glutamic acid, which is acidic and polar, at codon 1943 of the ATM protein (p.Lys1943Glu). This variant is present in population databases (rs779692309, gnomAD 0.002%). This variant has not been reported in the literature in individuals affected with ATM-related conditions. ClinVar contains an entry for this variant (Variation ID: 853913). Invitae Evidence Modeling of protein sequence and biophysical properties (such as structural, functional, and spatial information, amino acid conservation, physicochemical variation, residue mobility, and thermodynamic stability) indicates that this missense variant is not expected to disrupt ATM protein function with a negative predictive value of 95%. In summary, the available evidence is currently insufficient to determine the role of this variant in disease. Therefore, it has been classified as a Variant of Uncertain Significance.

Ambry Genetics
Classification: Likely benign for Hereditary cancer-predisposing syndrome. Last evaluated: 2025-12-03. Review status: criteria provided, single submitter. Criteria: Ambry Variant Classification Scheme 2023. Collection method: clinical testing. Allele origin: germline.

Color Diagnostics, LLC DBA Color Health
Classification: Uncertain significance for Hereditary cancer-predisposing syndrome. Last evaluated: 2024-03-06. Review status: criteria provided, single submitter. Criteria: ACMG Guidelines, 2015. Collection method: clinical testing. Allele origin: germline.
Comment: This missense variant replaces lysine with glutamic acid at codon 1943 of the ATM protein. Computational prediction suggests that this variant may not impact protein structure and function (internally defined REVEL score threshold <= 0.5, PMID: 27666373). To our knowledge, functional studies have not been reported for this variant. This variant has not been reported in individuals affected with hereditary cancer in the literature. This variant has been identified in 3/251098 chromosomes in the general population by the Genome Aggregation Database (gnomAD). The available evidence is insufficient to determine the role of this variant in disease conclusively. Therefore, this variant is classified as a Variant of Uncertain Significance.

Literature cited by the submitters: PubMed 40580951 (cited by Ambry Genetics).

NM_000051.4(ATM):c.5827A>G (p.Lys1943Glu)

Genes: ATM (ATM serine/threonine kinase; plus strand), C11orf65 (chromosome 11 open reading frame 65; minus strand). Cytogenetic location: 11q22.3.
Variant type: single nucleotide variant.
Coding change: c.5827A>G on transcript NM_000051.4 (MANE Select); coding-DNA position 5827, A replaced by G.
Protein change: p.Lys1943Glu; replaces lysine 1943 with glutamic acid.
Molecular consequence: missense variant. On other transcripts: intron variant (2).
Genome position (GRCh38, 1-based): chr11:108,310,224, A>G. VCF-style: chr11-108310224-A-G. GRCh37 (hg19) VCF-style: chr11-108180951-A-G.
Other names: c.5827A>G, p.Lys1943Glu (NM_001351834.2); c.641-1153T>C (NM_001330368.2); c.*39-1153T>C (NM_001351110.2); short protein forms K1943E.
Identifiers: ClinVar variation 853913 (VCV000853913.11), dbSNP rs779692309, ClinGen allele CA6265789.
Genomic context (GRCh38, chr11:108,310,224, plus strand): 5'-TCTTCAGGAACAATTTTTAATGATGCTTTCTGGCTGGATTTAAATTATCTAGAAGTTGCC[A>G]AGGTAGCTCAGTCTTGTGCTGCTCACTTTACAGCTTTACTCTATGCAGAAATCTATGCAG-3'
Protein context (NP_000042.3, residues 1933-1953): WLDLNYLEVA[Lys1943Glu]VAQSCAAHFT